The following is an entry in ClinVar:

NM_002755.4(MAP2K1):c.307_312del (p.Ile103_Lys104del)

Gene: MAP2K1 (mitogen-activated protein kinase kinase 1; plus strand). Cytogenetic location: 15q22.31.
Variant type: Deletion.
Coding change: c.307_312del on transcript NM_002755.4 (MANE Select); coding-DNA positions 307 to 312, 6 bases deleted (ATCAAA; older notation c.307_312delATCAAA).
Protein change: p.Ile103_Lys104del.
Genome position (GRCh38, 1-based): chr15:66,436,761-66,436,766, ATCAAA deleted. VCF-style (leftmost placement, unchanged base first): chr15-66436760-GATCAAA-G. GRCh37 (hg19) VCF-style: chr15-66729098-GATCAAA-G.
Other names: c.241_246del, p.Ile81_Lys82del (NM_001411065.1).
Identifiers: ClinVar variation 4974572 (VCV004974572.1).
Genomic context (GRCh38, chr15:66,436,760, plus strand): 5'-TCCCTCTTTCTTTCATAAAACCTCTCTTTCTTCCACCTTTCTCCAGCTAATTCATCTGGA[GATCAAA>G]CCCGCAATCCGGAACCAGATCATAAGGGAGCTGCAGGTTCTGCATGAGTGCAACTCTCCG-3'

ClinVar aggregate classification (germline): Likely pathogenic (1 of 4 stars; one submission).

Conditions:
Cerebral arteriovenous malformation (BAVM). Also called: CEREBRAL ARTERIOVENOUS MALFORMATIONS; Arteriovenous malformations of the brain. Identifiers: Orphanet 46724, MedGen C0917804, MONDO:0007154, OMIM 108010, HP:0002408.

Submission:

Clinical Genomics Laboratory, Washington University in St. Louis
Classification: Likely pathogenic for Cerebral arteriovenous malformation. Last evaluated: 2026-03-14. Review status: criteria provided, single submitter. Criteria: Leon-Quintero et al. (Clin Genet. 2025). Collection method: clinical testing. Allele origin: somatic. Affected: yes.
Comment: An MAP2K1 c.307_312del (p.Ile103_Lys104del) variant was identified at an allelic fraction consistent with somatic origin. The MAP2K1 c.307_312del (p.Ile103_Lys104del) variant, to our knowledge, has not been reported in the medical literature. This variant is absent from the general population (gnomAD v4.1.0), indicating it is not a common variant. Functional studies show that this variant leads to RAS-independent autophosphorylation and activation of downstream pERK and pMEK pathways, indicating that this variant impacts protein function (Gao Y et al., PMID: 29483135; Mizuno S et al., PMID: 36442478). This variant is predicted to cause a change in the length of the protein due to an in-frame deletion of two amino acids in a non-repeat region. Based on available information and an internally developed protocol informed by the ACMG/AMP guidelines for variant interpretation and gene-specific practices from the ClinGen Criteria Specification Registry (Leon-Quintero FZ et al., PMID: 39434542), the MAP2K1 c.307_312del (p.Ile103_Lys104del) variant is classified as likely pathogenic.